The following is an entry in ClinVar:

ClinVar aggregate classification (germline): Uncertain significance (1 of 4 stars; one submission).

Submission:

GeneDx
Classification: Uncertain significance. Last evaluated: 2025-09-25. Review status: criteria provided, single submitter. Criteria: GeneDx Variant Classification Process June 2021. Collection method: clinical testing. Allele origin: germline. Affected: yes.
Comment: Has not been previously published as pathogenic or benign to our knowledge; Not observed at significant frequency in large population cohorts (gnomAD); In silico analysis supports that this missense variant has a deleterious effect on protein structure/function

NM_001127222.2(CACNA1A):c.5261G>T (p.Gly1754Val)

Gene: CACNA1A (calcium voltage-gated channel subunit alpha1 A; minus strand). Cytogenetic location: 19p13.13.
Variant type: single nucleotide variant.
Coding change: c.5261G>T on transcript NM_001127222.2 (MANE Select); coding-DNA position 5261, G replaced by T.
Protein change: p.Gly1754Val; replaces glycine 1754 with valine.
Molecular consequence: missense variant.
Genome position (GRCh38, 1-based): chr19:13,231,849, C>A on the plus strand (G>T on the coding strand, the complement: CACNA1A is on the minus strand). VCF-style: chr19-13231849-C-A. GRCh37 (hg19) VCF-style: chr19-13342663-C-A.
Other names: c.5279G>T, p.Gly1760Val (NM_000068.4, NM_023035.3); c.5264G>T, p.Gly1755Val (NM_001127221.2); c.5270G>T, p.Gly1757Val (NM_001174080.2); short protein forms G1754V, G1755V, G1757V, G1760V.
Identifiers: ClinVar variation 3372535 (VCV003372535.2).
Genomic context (GRCh38, chr19:13,231,849, plus strand): 5'-GAGTTCTTATCACACGGTTTCCCGCTGAGGCAGGAAAGCATGATGTTGTGCCAAGCTTCC[C>A]CGGTGGCACTCCTGAGGACAGGGAGAAATCAGAGACTCGGACACCCAGCCCTGACTGGGT-3'
Protein context (NP_001120694.1, residues 1744-1764): ALMLLFRSAT[Gly1754Val]EAWHNIMLSC